The following is an entry in ClinVar:

NM_020632.3(ATP6V0A4):c.588C>T (p.Asn196=)

Gene: ATP6V0A4 (ATPase H+ transporting V0 subunit a4; minus strand). Cytogenetic location: 7q34.
Variant type: single nucleotide variant.
Coding change: c.588C>T on transcript NM_020632.3 (MANE Select); coding-DNA position 588, C replaced by T.
Protein change: p.Asn196=; no amino-acid change (asparagine 196 retained).
Molecular consequence: synonymous variant.
Genome position (GRCh38, 1-based): chr7:138,759,803, G>A on the plus strand (C>T on the coding strand, the complement: ATP6V0A4 is on the minus strand). VCF-style: chr7-138759803-G-A. GRCh37 (hg19) VCF-style: chr7-138444548-G-A.
Other names: p.Asn196=; c.588C>T, p.Asn196= (NM_130840.3, NM_130841.3).
Identifiers: ClinVar variation 359028 (VCV000359028.16), dbSNP rs144172463, ClinGen allele CA4505080.

ClinVar aggregate classification (germline): Conflicting classifications of pathogenicity. Review status: criteria provided, conflicting classifications (1 of 4 stars). 5 submissions from 5 submitters: Uncertain significance (1); Likely benign (4). Last evaluated 2026-02-02.

Conditions:
ATP6V0A4-related disorder. Also called: ATP6V0A4-related condition.
Autosomal recessive distal renal tubular acidosis. Identifiers: Orphanet 402041, MedGen C1864498, MONDO:0018440.

Allele frequency attached by ClinVar (database versions not stated): ESP Exome Variant Server 0.00038; TOPMed 0.00045; ExAC 0.00075; gnomAD 0.00076 and 0.00081; gnomAD exomes 0.00078.
gnomAD v4.1: 987 of 1,614,020 alleles (0.061%); highest among the groups gnomAD compares: Non-Finnish European, 0.057%; 1 homozygote.

Submissions (5):

Labcorp Genetics (formerly Invitae), Labcorp
Classification: Likely benign. Last evaluated: 2026-02-02. Review status: criteria provided, single submitter. Criteria: Invitae Variant Classification Sherloc (09022015). Collection method: clinical testing. Allele origin: germline.

PreventionGenetics, part of Exact Sciences
Classification: Likely benign for ATP6V0A4-related condition. Last evaluated: 2025-08-12. Review status: criteria provided, single submitter. Criteria: ACMG Guidelines, 2015. Collection method: clinical testing. Allele origin: germline.
Comment: This variant is classified as likely benign based on ACMG/AMP sequence variant interpretation guidelines (Richards et al. 2015 PMID: 25741868, with internal and published modifications).

Mayo Clinic Laboratories, Mayo Clinic
Classification: Likely benign. Last evaluated: 2025-03-30. Review status: criteria provided, single submitter. Criteria: ACMG Guidelines, 2015. Collection method: clinical testing. Allele origin: germline. Observed: 1 variant allele.
Comment: BP4, BP7

Blueprint Genetics
Classification: Likely benign. Last evaluated: 2024-11-07. Review status: criteria provided, single submitter. Criteria: ACMG Guidelines, 2015. Collection method: clinical testing. Allele origin: germline.

Illumina Laboratory Services, Illumina
Classification: Uncertain significance for Renal tubular acidosis, distal, 3, with or without sensorineural hearing loss. Last evaluated: 2018-01-13. Review status: criteria provided, single submitter. Criteria: ICSL Variant Classification Criteria 13 December 2019. Collection method: clinical testing. Allele origin: germline.